The following is an entry in ClinVar:

NM_003482.4(KMT2D):c.13910A>G (p.Lys4637Arg)

Gene: KMT2D (lysine methyltransferase 2D; minus strand). Cytogenetic location: 12q13.12.
Variant type: single nucleotide variant.
Coding change: c.13910A>G on transcript NM_003482.4 (MANE Select); coding-DNA position 13910, A replaced by G.
Protein change: p.Lys4637Arg; replaces lysine 4637 with arginine.
Molecular consequence: missense variant.
Genome position (GRCh38, 1-based): chr12:49,030,369, T>C on the plus strand (A>G on the coding strand, the complement: KMT2D is on the minus strand). VCF-style: chr12-49030369-T-C. GRCh37 (hg19) VCF-style: chr12-49424152-T-C.
Other names: short protein forms K4637R.
Identifiers: ClinVar variation 3703875 (VCV003703875.2).

ClinVar aggregate classification (germline): Uncertain significance (1 of 4 stars; one submission).

Conditions:
Kabuki syndrome. Also called: NIIKAWA-KUROKI SYNDROME; Kabuki make-up syndrome. Identifiers: Orphanet 2322, MedGen C0796004, MONDO:0016512.

Submission:

Labcorp Genetics (formerly Invitae), Labcorp
Classification: Uncertain significance for Kabuki syndrome. Last evaluated: 2025-03-25. Review status: criteria provided, single submitter. Criteria: Invitae Variant Classification Sherloc (09022015). Collection method: clinical testing. Allele origin: germline.
Comment: This sequence change replaces lysine, which is basic and polar, with arginine, which is basic and polar, at codon 4637 of the KMT2D protein (p.Lys4637Arg). This variant is not present in population databases (gnomAD no frequency). This variant has not been reported in the literature in individuals affected with KMT2D-related conditions. Invitae Evidence Modeling of protein sequence and biophysical properties (such as structural, functional, and spatial information, amino acid conservation, physicochemical variation, residue mobility, and thermodynamic stability) indicates that this missense variant is expected to disrupt KMT2D protein function with a positive predictive value of 95%. In summary, the available evidence is currently insufficient to determine the role of this variant in disease. Therefore, it has been classified as a Variant of Uncertain Significance.